The following is an entry in ClinVar:

NM_001042492.3(NF1):c.7287del (p.Phe2429fs)

Gene: NF1 (neurofibromin 1; plus strand). Cytogenetic location: 17q11.2.
Variant type: Deletion.
Coding change: c.7287del on transcript NM_001042492.3 (MANE Select); coding-DNA position 7287, one base deleted (T; older notation c.7287delT).
Protein change: p.Phe2429fs; shifts the reading frame from phenylalanine 2429.
Molecular consequence: frameshift variant.
Genome position (GRCh38, 1-based): chr17:31,349,217, T deleted; the last of 3 consecutive T bases (chr17:31,349,215-31,349,217); deleting any one gives the same sequence. VCF-style (leftmost placement, unchanged base first): chr17-31349214-AT-A. GRCh37 (hg19) VCF-style: chr17-29676232-AT-A.
Other names: c.7224delT (NM_000267.3); c.7224delT, p.Phe2408Leufs (NM_000267.4); c.7287delT, p.Phe2429Leufs (NM_001042492.2); short protein forms F2429fs, F2408fs.
Identifiers: ClinVar variation 431688 (VCV000431688.7), dbSNP rs1135402902, ClinGen allele CA645373111.

ClinVar aggregate classification (germline): Pathogenic. Review status: criteria provided, multiple submitters, no conflicts (2 of 4 stars). 3 submissions from 3 submitters: Pathogenic (2). 1 of the submissions does not count toward it. Last evaluated 2024-03-03.

Conditions:
Neurofibromatosis, type 1 (NF1). Also called: Neurofibromatosis, type I; NEUROFIBROMATOSIS, TYPE I, SOMATIC; Peripheral type neurofibromatosis; VON RECKLINGHAUSEN DISEASE. Identifiers: Orphanet 636, MedGen C0027831, MONDO:0018975, OMIM 162200. Disease mechanism: loss of function.
Hereditary cancer-predisposing syndrome. Also called: Hereditary neoplastic syndrome; Tumor predisposition; Neoplastic Syndromes, Hereditary; Hereditary Cancer Syndrome. Identifiers: Orphanet 140162, MedGen C0027672, MeSH D009386, MONDO:0015356.
Cardiovascular phenotype. Identifiers: MedGen CN230736.

Submissions (3):

Labcorp Genetics (formerly Invitae), Labcorp
Classification: Pathogenic for Neurofibromatosis, type 1. Last evaluated: 2024-03-03. Review status: criteria provided, single submitter. Criteria: Invitae Variant Classification Sherloc (09022015). Collection method: clinical testing. Allele origin: germline.
Comment: This sequence change creates a premature translational stop signal (p.Phe2408Leufs*3) in the NF1 gene. It is expected to result in an absent or disrupted protein product. Loss-of-function variants in NF1 are known to be pathogenic (PMID: 10712197, 23913538). This variant is not present in population databases (gnomAD no frequency). This premature translational stop signal has been observed in individual(s) with neurofibromatosis type I (PMID: 28961165). ClinVar contains an entry for this variant (Variation ID: 431688). For these reasons, this variant has been classified as Pathogenic.

Ambry Genetics
Classification: Pathogenic for Cardiovascular phenotype; Hereditary cancer-predisposing syndrome. Last evaluated: 2019-04-08. Review status: criteria provided, single submitter. Criteria: Ambry Variant Classification Scheme 2023. Collection method: clinical testing. Allele origin: germline.
Comment: The c.7224delT pathogenic mutation, located in coding exon 48 of the NF1 gene, results from a deletion of one nucleotide at nucleotide position 7224, causing a translational frameshift with a predicted alternate stop codon (p.F2408Lfs*3). In addition to the clinical data presented in the literature, this alteration is expected to result in loss of function by premature protein truncation or nonsense-mediated mRNA decay. As such, this alteration is interpreted as a disease-causing mutation.

Medical Genetics, University of Parma
Classification: Pathogenic for Neurofibromatosis type 1. Last evaluated: 2017-02-02. Review status: no assertion criteria provided. Collection method: clinical testing. Allele origin: germline. Affected: yes. Not counted in ClinVar's aggregate classification.

Literature cited by the submitters: PubMed 10712197 (cited by Labcorp Genetics (formerly Invitae), Labcorp); PubMed 23913538 (cited by Labcorp Genetics (formerly Invitae), Labcorp); PubMed 28961165 (cited by Labcorp Genetics (formerly Invitae), Labcorp).